The following is an entry in ClinVar:

NM_004168.4(SDHA):c.1468G>A (p.Glu490Lys)

Gene: SDHA (succinate dehydrogenase complex flavoprotein subunit A; plus strand). Cytogenetic location: 5p15.33.
Variant type: single nucleotide variant.
Coding change: c.1468G>A on transcript NM_004168.4 (MANE Select); coding-DNA position 1468, G replaced by A.
Protein change: p.Glu490Lys; replaces glutamic acid 490 with lysine.
Molecular consequence: missense variant.
Genome position (GRCh38, 1-based): chr5:240,393, G>A. VCF-style: chr5-240393-G-A. GRCh37 (hg19) VCF-style: chr5-240508-G-A.
Other names: c.1324G>A, p.Glu442Lys (NM_001294332.2); c.1468G>A, p.Glu490Lys (NM_001330758.2); short protein forms E442K, E490K.
Identifiers: ClinVar variation 1773299 (VCV001773299.5), dbSNP rs1554000360, ClinGen allele CA359014229.

ClinVar aggregate classification (germline): Uncertain significance. Review status: criteria provided, multiple submitters, no conflicts (2 of 4 stars). 2 submissions from 2 submitters: Uncertain significance (2). Last evaluated 2023-09-03.

Conditions:
Hereditary cancer-predisposing syndrome. Also called: Tumor predisposition; Hereditary Cancer Syndrome; Hereditary neoplastic syndrome; Neoplastic Syndromes, Hereditary. Identifiers: Orphanet 140162, MedGen C0027672, MeSH D009386, MONDO:0015356.
Mitochondrial complex II deficiency, nuclear type 1. Also called: SUCCINATE CoQ REDUCTASE DEFICIENCY. Identifiers: Orphanet 3208, MedGen C5700310, MONDO:0100294, OMIM 252011.
Pheochromocytoma/paraganglioma syndrome 5. Also called: Paragangliomas 5; SDHA-Related Hereditary Paraganglioma-Pheochromocytoma Syndrome. Identifiers: Orphanet 29072, MedGen C3279992, MONDO:0013602, OMIM 614165.

Allele frequency attached by ClinVar (database versions not stated): gnomAD exomes below 0.00001.
gnomAD v4.1: 4 of 1,609,872 alleles (0.00025%); highest among the groups gnomAD compares: East Asian, 0.0089%; no homozygotes.

Submissions (2):

Labcorp Genetics (formerly Invitae), Labcorp
Classification: Uncertain significance for Pheochromocytoma/paraganglioma syndrome 5; Mitochondrial complex II deficiency, nuclear type 1. Last evaluated: 2023-09-03. Review status: criteria provided, single submitter. Criteria: Invitae Variant Classification Sherloc (09022015). Collection method: clinical testing. Allele origin: germline.
Comment: In summary, the available evidence is currently insufficient to determine the role of this variant in disease. Therefore, it has been classified as a Variant of Uncertain Significance. Advanced modeling of protein sequence and biophysical properties (such as structural, functional, and spatial information, amino acid conservation, physicochemical variation, residue mobility, and thermodynamic stability) performed at Invitae indicates that this missense variant is not expected to disrupt SDHA protein function. ClinVar contains an entry for this variant (Variation ID: 1773299). This variant has not been reported in the literature in individuals affected with SDHA-related conditions. This variant is not present in population databases (gnomAD no frequency). This sequence change replaces glutamic acid, which is acidic and polar, with lysine, which is basic and polar, at codon 490 of the SDHA protein (p.Glu490Lys).

Ambry Genetics
Classification: Uncertain significance for Hereditary cancer-predisposing syndrome. Last evaluated: 2022-01-26. Review status: criteria provided, single submitter. Criteria: Ambry Variant Classification Scheme 2023. Collection method: clinical testing. Allele origin: germline.
Comment: The p.E490K variant (also known as c.1468G>A), located in coding exon 11 of the SDHA gene, results from a G to A substitution at nucleotide position 1468. The glutamic acid at codon 490 is replaced by lysine, an amino acid with similar properties. This amino acid position is conserved. In addition, the in silico prediction for this alteration is inconclusive. Since supporting evidence is limited at this time, the clinical significance of this alteration remains unclear.